The following is an entry in ClinVar:

NM_001378418.1(TCF20):c.4165A>T (p.Lys1389Ter)

Gene: TCF20 (transcription factor 20; minus strand). Cytogenetic location: 22q13.2.
Variant type: single nucleotide variant.
Coding change: c.4165A>T on transcript NM_001378418.1 (MANE Select); coding-DNA position 4165, A replaced by T.
Protein change: p.Lys1389Ter; replaces lysine 1389 with a stop codon.
Molecular consequence: nonsense.
Genome position (GRCh38, 1-based): chr22:42,211,141, T>A on the plus strand (A>T on the coding strand, the complement: TCF20 is on the minus strand). VCF-style: chr22-42211141-T-A. GRCh37 (hg19) VCF-style: chr22-42607147-T-A.
Other names: c.4165A>T, p.Lys1389Ter (NM_005650.4, NM_181492.3); short protein forms K1389*.
Identifiers: ClinVar variation 5007672 (VCV005007672.1).

ClinVar aggregate classification (germline): Likely pathogenic (1 of 4 stars; one submission).

Conditions:
Developmental delay with variable intellectual impairment and behavioral abnormalities. Identifiers: MedGen C5193092, MONDO:0032745, OMIM 618430.

Submission:

Juno Genomics, Hangzhou Juno Genomics, Inc
Classification: Likely pathogenic for Developmental delay with variable intellectual impairment and behavioral abnormalities. Review status: criteria provided, single submitter. Criteria: ACMG Guidelines, 2015. Collection method: clinical testing. Allele origin: germline. Affected: yes.
Comment: Absent from controls (or at extremely low frequency if recessive) in Genome Aggregation Database.;Null variant in a gene where loss of function (LOF) is a known mechanism of disease.